The following is an entry in ClinVar:

NM_012452.3(TNFRSF13B):c.857C>T (p.Ala286Val)

Gene: TNFRSF13B (TNF receptor superfamily member 13B; minus strand). Cytogenetic location: 17p11.2.
Variant type: single nucleotide variant.
Coding change: c.857C>T on transcript NM_012452.3 (MANE Select); coding-DNA position 857, C replaced by T.
Protein change: p.Ala286Val; replaces alanine 286 with valine.
Molecular consequence: missense variant.
Genome position (GRCh38, 1-based): chr17:16,939,572, G>A on the plus strand (C>T on the coding strand, the complement: TNFRSF13B is on the minus strand). VCF-style: chr17-16939572-G-A. GRCh37 (hg19) VCF-style: chr17-16842886-G-A.
Other names: short protein forms A286V.
Identifiers: ClinVar variation 641380 (VCV000641380.3), dbSNP rs886052652, ClinGen allele CA288281816.

ClinVar aggregate classification (germline): Uncertain significance (1 of 4 stars; one submission).

Conditions:
Immunodeficiency, common variable, 2 (CVID2). Also called: ANTIBODY DEFICIENCY DUE TO TACI DEFECT; HYPOGAMMAGLOBULINEMIA DUE TO TACI DEFICIENCY. Identifiers: Orphanet 1572, MedGen C3150354, MONDO:0009413, OMIM 240500.

Allele frequency attached by ClinVar (database versions not stated): TOPMed 0.00001.
gnomAD v4.1: 9 of 1,612,898 alleles (0.00056%); highest among the groups gnomAD compares: African/African-American, 0.011%; no homozygotes.

Submission:

Labcorp Genetics (formerly Invitae), Labcorp
Classification: Uncertain significance for Immunodeficiency, common variable, 2. Last evaluated: 2021-08-24. Review status: criteria provided, single submitter. Criteria: Invitae Variant Classification Sherloc (09022015). Collection method: clinical testing. Allele origin: germline.
Comment: This sequence change replaces alanine with valine at codon 286 of the TNFRSF13B protein (p.Ala286Val). The alanine residue is weakly conserved and there is a small physicochemical difference between alanine and valine. This variant is not present in population databases (ExAC no frequency). This variant has not been reported in the literature in individuals affected with TNFRSF13B-related conditions. Algorithms developed to predict the effect of missense changes on protein structure and function are either unavailable or do not agree on the potential impact of this missense change (SIFT: "Tolerated"; PolyPhen-2: "Possibly Damaging"; Align-GVGD: "Class C0"). In summary, the available evidence is currently insufficient to determine the role of this variant in disease. Therefore, it has been classified as a Variant of Uncertain Significance.